The following is an entry in ClinVar:

NM_012210.4(TRIM32):c.781G>A (p.Glu261Lys)

Genes: ASTN2 (astrotactin 2; minus strand), TRIM32 (tripartite motif containing 32; plus strand). Cytogenetic location: 9q33.1.
Variant type: single nucleotide variant.
Coding change: c.781G>A on transcript NM_012210.4 (MANE Select); coding-DNA position 781, G replaced by A.
Protein change: p.Glu261Lys; replaces glutamic acid 261 with lysine.
Molecular consequence: missense variant. On other transcripts: intron variant (3).
Genome position (GRCh38, 1-based): chr9:116,698,523, G>A. VCF-style: chr9-116698523-G-A. GRCh37 (hg19) VCF-style: chr9-119460802-G-A.
Other names: c.781G>A, p.Glu261Lys (NM_001099679.2, NM_001379048.1, NM_001379049.1 and 1 more transcripts); c.2653+27248C>T (NM_014010.5); c.2794+27248C>T (NM_001365069.1); c.2806+27248C>T (NM_001365068.1); short protein forms E261K.
Identifiers: ClinVar variation 949098 (VCV000949098.7), dbSNP rs781333763, ClinGen allele CA5211045.

ClinVar aggregate classification (germline): Uncertain significance (1 of 4 stars; one submission).

Conditions:
Bardet-Biedl syndrome (BBS). Identifiers: Orphanet 110, MedGen C0752166, MONDO:0015229.

Allele frequency attached by ClinVar (database versions not stated): ExAC 0.00001; gnomAD exomes 0.00001.

Submission:

Labcorp Genetics (formerly Invitae), Labcorp
Classification: Uncertain significance for Bardet-Biedl syndrome. Last evaluated: 2021-09-01. Review status: criteria provided, single submitter. Criteria: Invitae Variant Classification Sherloc (09022015). Collection method: clinical testing. Allele origin: germline.
Comment: This sequence change replaces glutamic acid with lysine at codon 261 of the TRIM32 protein (p.Glu261Lys). The glutamic acid residue is highly conserved and there is a small physicochemical difference between glutamic acid and lysine. This variant is present in population databases (rs781333763, ExAC 0.01%). This variant has not been reported in the literature in individuals affected with TRIM32-related conditions. Algorithms developed to predict the effect of missense changes on protein structure and function are either unavailable or do not agree on the potential impact of this missense change (SIFT: "Tolerated"; PolyPhen-2: "Probably Damaging"; Align-GVGD: "Class C0"). In summary, the available evidence is currently insufficient to determine the role of this variant in disease. Therefore, it has been classified as a Variant of Uncertain Significance.